The following is an entry in ClinVar:

NM_001854.4(COL11A1):c.1984G>C (p.Ala662Pro)

Gene: COL11A1 (collagen type XI alpha 1 chain; minus strand). Cytogenetic location: 1p21.1.
Variant type: single nucleotide variant.
Coding change: c.1984G>C on transcript NM_001854.4 (MANE Select); coding-DNA position 1984, G replaced by C.
Protein change: p.Ala662Pro; replaces alanine 662 with proline.
Molecular consequence: missense variant. On other transcripts: non-coding transcript variant (1).
Genome position (GRCh38, 1-based): chr1:103,003,229, C>G on the plus strand (G>C on the coding strand, the complement: COL11A1 is on the minus strand). VCF-style: chr1-103003229-C-G. GRCh37 (hg19) VCF-style: chr1-103468785-C-G.
Other names: c.1636G>C, p.Ala546Pro (NM_001168249.1, NM_080630.4); c.1867G>C, p.Ala623Pro (NM_001190709.2); c.2020G>C, p.Ala674Pro (NM_080629.3); short protein forms A546P, A674P, A623P, A662P.
Identifiers: ClinVar variation 2617544 (VCV002617544.3), dbSNP rs2525370081, ClinGen allele CA341171666.

ClinVar aggregate classification (germline): Conflicting classifications of pathogenicity. Review status: criteria provided, conflicting classifications (1 of 4 stars). 2 submissions from 2 submitters: Uncertain significance (1); Likely benign (1). Last evaluated 2025-04-23.

Conditions:
Inborn genetic diseases. Identifiers: MedGen C0950123, MeSH D030342.

Allele frequency attached by ClinVar (database versions not stated): gnomAD exomes below 0.00001.
gnomAD v4.1: 1 of 1,613,574 alleles (0.000062%); highest among the groups gnomAD compares: Non-Finnish European, 0.000085%; no homozygotes.

Submissions (2):

Labcorp Genetics (formerly Invitae), Labcorp
Classification: Uncertain significance. Last evaluated: 2025-04-23. Review status: criteria provided, single submitter. Criteria: Invitae Variant Classification Sherloc (09022015). Collection method: clinical testing. Allele origin: germline.
Comment: This sequence change replaces alanine, which is neutral and non-polar, with proline, which is neutral and non-polar, at codon 662 of the COL11A1 protein (p.Ala662Pro). This variant is not present in population databases (gnomAD no frequency). This variant has not been reported in the literature in individuals affected with COL11A1-related conditions. ClinVar contains an entry for this variant (Variation ID: 2617544). Invitae Evidence Modeling of protein sequence and biophysical properties (such as structural, functional, and spatial information, amino acid conservation, physicochemical variation, residue mobility, and thermodynamic stability) indicates that this missense variant is not expected to disrupt COL11A1 protein function with a negative predictive value of 80%. In summary, the available evidence is currently insufficient to determine the role of this variant in disease. Therefore, it has been classified as a Variant of Uncertain Significance.

Ambry Genetics
Classification: Likely benign for Inborn genetic diseases. Last evaluated: 2023-08-08. Review status: criteria provided, single submitter. Criteria: Ambry Variant Classification Scheme 2023. Collection method: clinical testing. Allele origin: germline.